The following is an entry in ClinVar:

NM_000051.4(ATM):c.374T>C (p.Met125Thr)

Gene: ATM (ATM serine/threonine kinase; plus strand). Cytogenetic location: 11q22.3.
Variant type: single nucleotide variant.
Coding change: c.374T>C on transcript NM_000051.4 (MANE Select); coding-DNA position 374, T replaced by C.
Protein change: p.Met125Thr; replaces methionine 125 with threonine.
Molecular consequence: missense variant.
Genome position (GRCh38, 1-based): chr11:108,235,712, T>C. VCF-style: chr11-108235712-T-C. GRCh37 (hg19) VCF-style: chr11-108106439-T-C.
Other names: c.374T>C, p.Met125Thr (NM_001351834.2); short protein forms M125T.
Identifiers: ClinVar variation 957135 (VCV000957135.12), dbSNP rs2079237952, ClinGen allele CA382524768.

ClinVar aggregate classification (germline): Uncertain significance. Review status: criteria provided, multiple submitters, no conflicts (2 of 4 stars). 2 submissions from 2 submitters: Uncertain significance (2). Last evaluated 2023-08-22.

Conditions:
Ataxia-telangiectasia syndrome (AT). Also called: AT, COMPLEMENTATION GROUP C; Ataxia telangiectasia (A-T); Cerebello-oculocutaneous telangiectasia; Immunodeficiency with ataxia telangiectasia; LOUIS-BAR SYNDROME; Ataxia-telangiectasia. Identifiers: Orphanet 100, MedGen C0004135, MONDO:0008840, OMIM 208900.
Hereditary cancer-predisposing syndrome. Also called: Hereditary neoplastic syndrome; Tumor predisposition; Neoplastic Syndromes, Hereditary; Hereditary Cancer Syndrome. Identifiers: Orphanet 140162, MedGen C0027672, MeSH D009386, MONDO:0015356.

Allele frequency attached by ClinVar (database versions not stated): gnomAD exomes below 0.00001.

Submissions (2):

Labcorp Genetics (formerly Invitae), Labcorp
Classification: Uncertain significance for Ataxia-telangiectasia syndrome. Last evaluated: 2023-08-22. Review status: criteria provided, single submitter. Criteria: Invitae Variant Classification Sherloc (09022015). Collection method: clinical testing. Allele origin: germline.
Comment: This variant has not been reported in the literature in individuals affected with ATM-related conditions. This sequence change replaces methionine, which is neutral and non-polar, with threonine, which is neutral and polar, at codon 125 of the ATM protein (p.Met125Thr). This variant is not present in population databases (gnomAD no frequency). ClinVar contains an entry for this variant (Variation ID: 957135). An algorithm developed to predict the effect of missense changes on protein structure and function (PolyPhen-2) suggests that this variant is likely to be tolerated. In summary, the available evidence is currently insufficient to determine the role of this variant in disease. Therefore, it has been classified as a Variant of Uncertain Significance.

Ambry Genetics
Classification: Uncertain significance for Hereditary cancer-predisposing syndrome. Last evaluated: 2017-11-07. Review status: criteria provided, single submitter. Criteria: Ambry Variant Classification Scheme 2023. Collection method: clinical testing. Allele origin: germline.
Comment: The p.M125T variant (also known as c.374T>C), located in coding exon 4 of the ATM gene, results from a T to C substitution at nucleotide position 374. The methionine at codon 125 is replaced by threonine, an amino acid with similar properties. This amino acid position is not well conserved in available vertebrate species. In addition, this alteration is predicted to be tolerated by in silico analysis. Since supporting evidence is limited at this time, the clinical significance of this alteration remains unclear.